The following is an entry in ClinVar:

ClinVar aggregate classification (germline): Conflicting classifications of pathogenicity. Review status: criteria provided, conflicting classifications (1 of 4 stars). 2 submissions from 2 submitters: Likely pathogenic (1); Uncertain significance (1). Last evaluated 2024-05-27.

Conditions:
Bainbridge-Ropers syndrome. Also called: Severe feeding difficulties-failure to thrive-microcephaly due to ASXL3 deficiency syndrome. Identifiers: Orphanet 352577, MedGen C4750837, MONDO:0014205, OMIM 615485.

Submissions (2):

3billion
Classification: Likely pathogenic for Bainbridge-Ropers syndrome. Last evaluated: 2024-05-27. Review status: criteria provided, single submitter. Criteria: ACMG Guidelines, 2015. Collection method: clinical testing. Allele origin: germline. Affected: yes.
Comment: The variant is observed at an extremely low frequency in the gnomAD v4.0.0 dataset (total allele frequency: 0.031%). Predicted Consequence/Location: Frameshift: predicted to result in a loss or disruption of normal protein function through protein truncation. The predicted truncated protein may be shortened by less than 10%. The variant has been reported to be associated with ASXL3 related disorder (PMID: 36368308). Therefore, this variant is classified as Likely pathogenic according to the recommendation of ACMG/AMP guideline.

GeneDx
Classification: Uncertain significance. Last evaluated: 2022-12-02. Review status: criteria provided, single submitter. Criteria: GeneDx Variant Classification Process June 2021. Collection method: clinical testing. Allele origin: germline. Affected: yes.
Comment: Frameshift variant predicted to result in protein truncation, as the last 211 amino acids are replaced with 9 different amino acids, and other loss-of-function variants have been reported downstream in HGMD; Has not been previously published as pathogenic or benign to our knowledge; This variant is associated with the following publications: (PMID: 24077912)

Literature cited by the submitters: PubMed 36368308 (cited by 3billion).

NM_030632.3(ASXL3):c.6110dup (p.Pro2038fs)

Gene: ASXL3 (ASXL transcriptional regulator 3; plus strand). Cytogenetic location: 18q12.1.
Variant type: Duplication.
Coding change: c.6110dup on transcript NM_030632.3 (MANE Select); coding-DNA position 6110, one base duplicated (C; older notation c.6110dupC).
Protein change: p.Pro2038fs; shifts the reading frame from proline 2038.
Molecular consequence: frameshift variant.
Genome position (GRCh38, 1-based): chr18:33,745,958, C duplicated; the last of 8 consecutive C bases (chr18:33,745,951-33,745,958); duplicating any one gives the same sequence. VCF-style (leftmost placement, unchanged base first): chr18-33745950-T-TC. GRCh37 (hg19) VCF-style: chr18-31325914-T-TC.
Other names: short protein forms P2038fs.
Identifiers: ClinVar variation 1801980 (VCV001801980.2), dbSNP rs747712363, ClinGen allele CA8934561.